The following is an entry in ClinVar:

NM_015213.4(DENND5A):c.1264C>A (p.Pro422Thr)

Gene: DENND5A (DENN domain containing 5A; minus strand). Cytogenetic location: 11p15.4.
Variant type: single nucleotide variant.
Coding change: c.1264C>A on transcript NM_015213.4 (MANE Select); coding-DNA position 1264, C replaced by A.
Protein change: p.Pro422Thr; replaces proline 422 with threonine.
Molecular consequence: missense variant. On other transcripts: non-coding transcript variant (1).
Genome position (GRCh38, 1-based): chr11:9,180,958, G>T on the plus strand (C>A on the coding strand, the complement: DENND5A is on the minus strand). VCF-style: chr11-9180958-G-T. GRCh37 (hg19) VCF-style: chr11-9202505-G-T.
Other names: c.1264C>A, p.Pro422Thr (NM_001243254.2, NM_001348748.1); c.1192C>A, p.Pro398Thr (NM_001348749.2); c.976C>A, p.Pro326Thr (NM_001348750.2); short protein forms P326T, P398T, P422T.
Identifiers: ClinVar variation 1956078 (VCV001956078.5), dbSNP rs750256441, ClinGen allele CA5877643.

ClinVar aggregate classification (germline): Uncertain significance (1 of 4 stars; one submission).

Allele frequency attached by ClinVar (database versions not stated): ExAC 0.00001.
gnomAD v4.1: 9 of 1,614,176 alleles (0.00056%); highest among the groups gnomAD compares: Non-Finnish European, 0.00068%; no homozygotes.

Submission:

Labcorp Genetics (formerly Invitae), Labcorp
Classification: Uncertain significance. Last evaluated: 2024-03-07. Review status: criteria provided, single submitter. Criteria: Invitae Variant Classification Sherloc (09022015). Collection method: clinical testing. Allele origin: germline.
Comment: This sequence change replaces proline, which is neutral and non-polar, with threonine, which is neutral and polar, at codon 422 of the DENND5A protein (p.Pro422Thr). This variant is present in population databases (rs750256441, gnomAD 0.0009%). This variant has not been reported in the literature in individuals affected with DENND5A-related conditions. ClinVar contains an entry for this variant (Variation ID: 1956078). Advanced modeling of protein sequence and biophysical properties (such as structural, functional, and spatial information, amino acid conservation, physicochemical variation, residue mobility, and thermodynamic stability) performed at Invitae indicates that this missense variant is not expected to disrupt DENND5A protein function with a negative predictive value of 80%. In summary, the available evidence is currently insufficient to determine the role of this variant in disease. Therefore, it has been classified as a Variant of Uncertain Significance.